The following is an entry in ClinVar:

NM_001009944.3(PKD1):c.7209+1G>C

Gene: PKD1 (polycystin 1, transient receptor potential channel interacting; minus strand). Cytogenetic location: 16p13.3.
Variant type: single nucleotide variant.
Coding change: c.7209+1G>C on transcript NM_001009944.3 (MANE Select); the canonical splice donor site of the intron after coding-DNA position 7209, G replaced by C.
Molecular consequence: splice donor variant.
Genome position (GRCh38, 1-based): chr16:2,106,804, C>G on the plus strand (G>C on the coding strand, the complement: PKD1 is on the minus strand). VCF-style: chr16-2106804-C-G. GRCh37 (hg19) VCF-style: chr16-2156805-C-G.
Other names: c.7209+1G>C (NM_000296.4).
Identifiers: ClinVar variation 2672606 (VCV002672606.24), dbSNP rs2544784172, ClinGen allele CA394371406.

ClinVar aggregate classification (germline): Likely pathogenic. Review status: criteria provided, multiple submitters, no conflicts (2 of 4 stars). 2 submissions from 2 submitters: Likely pathogenic (2). Last evaluated 2024-08-05.

Conditions:
Autosomal dominant polycystic kidney disease. Identifiers: Orphanet 730, MedGen C0085413, MONDO:0004691.

Submissions (2):

Molecular Genetics, Royal Melbourne Hospital
Classification: Likely pathogenic for Autosomal dominant polycystic kidney disease. Last evaluated: 2024-08-05. Review status: criteria provided, single submitter. Criteria: ACMG Guidelines, 2015. Collection method: clinical testing. Allele origin: germline. Inheritance: Autosomal dominant inheritance. Affected: yes.
Comment: This sequence change in PKD1 occurs within the canonical splice donor site of intron 17. It is predicted to cause skipping of biologically relevant-exon 17/46, resulting in an in-frame deletion (removes amino acids 2356-2403) that is expected to escape nonsense-mediated decay and remove <10% of the protein. However, it is expected to remove a region of the REJ domain that is likely critical to protein function (ClinVar). This variant is absent from the population database gnomAD v4.1. To our knowledge, this variant has not been previously reported in the relevant scientific literature. Based on the classification scheme RMH Modified ACMG/AMP Guidelines v1.7.0, this variant is classified as LIKELY PATHOGENIC. Following criteria are met: PVS1_Strong, PM2_Supporting, PS4_Supporting.

CeGaT Center for Human Genetics Tuebingen
Classification: Likely pathogenic. Last evaluated: 2023-11-01. Review status: criteria provided, single submitter. Criteria: CeGaT Center For Human Genetics Tuebingen Variant Classification Criteria Version 2. Collection method: clinical testing. Allele origin: germline. Affected: yes. Observed: 1 variant allele.
Comment: PKD1: PVS1:Strong, PM2